The following is an entry in ClinVar:

ClinVar aggregate classification (germline): Benign/Likely benign. Review status: criteria provided, multiple submitters, no conflicts (2 of 4 stars). 7 submissions from 7 submitters: Benign (4); Likely benign (1). 2 of the submissions do not count toward it. Last evaluated 2026-09-21.

Conditions:
Cardiomyopathy (CMYO). Also called: Cardiomyopathies. Identifiers: Orphanet 167848, MedGen C0878544, MONDO:0004994, HP:0001638. Inheritance: Various modes of inheritance.

Submissions (7):

Molecular Diagnostic Laboratory for Inherited Cardiovascular Disease, Montreal Heart Institute
Classification: Benign. Last evaluated: 2026-09-21. Review status: criteria provided, single submitter. Criteria: ACMG Guidelines, 2015. Collection method: clinical testing. Allele origin: germline. Affected: no.
Comment: BA1

CHEO Genetics Diagnostic Laboratory, Children's Hospital of Eastern Ontario
Classification: Benign for Cardiomyopathy. Last evaluated: 2020-10-16. Review status: criteria provided, single submitter. Criteria: ACMG Guidelines, 2015. Collection method: clinical testing. Allele origin: germline.

Women's Health and Genetics/Laboratory Corporation of America, LabCorp
Classification: Benign. Last evaluated: 2019-08-19. Review status: criteria provided, single submitter. Criteria: LabCorp Variant Classification Summary - May 2015. Collection method: clinical testing. Allele origin: germline.
Comment: Variant summary: RYR2 c.1477-11dupT alters a nucleotide located close to a canonical splice site and therefore could affect mRNA splicing, leading to a significantly altered protein sequence. 5/5 computational tools predict no significant impact on normal splicing. However, these predictions have yet to be confirmed by functional studies. The variant allele was found at a frequency of 0.4 in 170484 control chromosomes in the gnomAD database, including 3845 homozygotes. The observed variant frequency is approximately 16047-folds over the estimated maximal expected allele frequency for a pathogenic variant in RYR2 causing Cardiomyopathy phenotype (2.5e-05), strongly suggesting that the variant is benign. No clinical diagnostic laboratories have submitted clinical-significance assessments for this variant to ClinVar after 2014. Based on the evidence outlined above, the variant was classified as benign.

GeneDx
Classification: Benign. Last evaluated: 2015-04-15. Review status: criteria provided, single submitter. Criteria: GeneDx Variant Classification Process June 2021. Collection method: clinical testing. Allele origin: germline. Affected: yes.

Laboratory for Molecular Medicine, Mass General Brigham Personalized Medicine
Classification: Likely benign. Last evaluated: 2012-04-05. Review status: criteria provided, single submitter. Criteria: LMM Criteria. Collection method: clinical testing. Allele origin: germline. Observed: 431 variant alleles.
Comment: 1477-11_1477-10insT in intron 15 of RYR2: This variant is not expected to have c linical significance because it is located outside the conserved +/- 1, 2 region of the splicing consensus sequence and is part of a polyT stretch. 1477-11_147 7-10insT in intron 15 of RYR2 (allele frequency = n/a)

Diagnostic Laboratory, Department of Genetics, University Medical Center Groningen
Classification: Benign. Review status: no assertion criteria provided. Collection method: clinical testing. Allele origin: germline. Affected: yes. Study: VKGL Data-share Consensus. Not counted in ClinVar's aggregate classification.

Joint Genome Diagnostic Labs from Nijmegen and Maastricht, Radboudumc and MUMC+
Classification: Benign. Review status: no assertion criteria provided. Collection method: clinical testing. Allele origin: germline. Affected: yes. Study: VKGL Data-share Consensus. Not counted in ClinVar's aggregate classification.

NM_001035.3(RYR2):c.1477-11dup

Gene: RYR2 (ryanodine receptor 2; plus strand). Cytogenetic location: 1q43.
Variant type: Duplication.
Coding change: c.1477-11dup on transcript NM_001035.3 (MANE Select); 11 bases into the intron before coding-DNA position 1477, one base duplicated (T; older notation c.1477-11dupT).
Genome position (GRCh38, 1-based): chr1:237,456,589, T duplicated; the last of 14 consecutive T bases (chr1:237,456,576-237,456,589); duplicating any one gives the same sequence. VCF-style (leftmost placement, unchanged base first): chr1-237456575-A-AT. GRCh37 (hg19) VCF-style: chr1-237619875-A-AT.
Other names: c.1477-11dup (NM_001035.2).
Identifiers: ClinVar variation 43748 (VCV000043748.15), dbSNP rs397516518, ClinGen allele CA008384.